The following is an entry in ClinVar:

NM_000191.3(HMGCL):c.594C>T (p.Tyr198=)

Gene: HMGCL (3-hydroxy-3-methylglutaryl-CoA lyase; minus strand). Cytogenetic location: 1p36.11.
Variant type: single nucleotide variant.
Coding change: c.594C>T on transcript NM_000191.3 (MANE Select); coding-DNA position 594, C replaced by T.
Protein change: p.Tyr198=; no amino-acid change (tyrosine 198 retained).
Molecular consequence: synonymous variant.
Genome position (GRCh38, 1-based): chr1:23,808,291, G>A on the plus strand (C>T on the coding strand, the complement: HMGCL is on the minus strand). VCF-style: chr1-23808291-G-A. GRCh37 (hg19) VCF-style: chr1-24134781-G-A.
Other names: c.381C>T, p.Tyr127= (NM_001166059.2).
Identifiers: ClinVar variation 296852 (VCV000296852.19), dbSNP rs139799938, ClinGen allele CA686023.

ClinVar aggregate classification (germline): Benign/Likely benign. Review status: criteria provided, multiple submitters, no conflicts (2 of 4 stars). 3 submissions from 3 submitters: Benign (1); Likely benign (1). 1 of the submissions does not count toward it. Last evaluated 2026-04-01.

Conditions:
Long chain 3-hydroxyacyl-CoA dehydrogenase deficiency. Also called: LCHAD Deficiency; Deficiency of long-chain 3-hydroxyacyl-coenzyme A dehydrogenase. Identifiers: Orphanet 5, MedGen C3711645, MONDO:0012173, OMIM 609016.
Deficiency of hydroxymethylglutaryl-CoA lyase (HMGCLD). Also called: HMGCL DEFICIENCY; HYDROXYMETHYLGLUTARIC ACIDURIA; HMG-CoA LYASE DEFICIENCY; Defect in leucine metabolism; 3-hydroxy-3-methylglutaric aciduria. Identifiers: Orphanet 20, MedGen C1533587, MONDO:0009520, OMIM 246450.

Allele frequency attached by ClinVar (database versions not stated): gnomAD 0.00006 and 0.00009; ESP Exome Variant Server 0.00008; ExAC 0.00012; TOPMed 0.00013; gnomAD exomes 0.00014; 1000 Genomes Project 30x 0.00031; 1000 Genomes Project 0.00040.
gnomAD v4.1: 104 of 1,614,070 alleles (0.0064%); highest among the groups gnomAD compares: East Asian, 0.14%; 1 homozygote.

Submissions (3):

CeGaT Center for Human Genetics Tuebingen
Classification: Likely benign. Last evaluated: 2026-04-01. Review status: criteria provided, single submitter. Criteria: CeGaT Center For Human Genetics Tuebingen Variant Classification Criteria Version 2. Collection method: clinical testing. Allele origin: germline. Affected: yes. Observed: 1 variant allele.
Comment: HMGCL: BP4, BP7

Labcorp Genetics (formerly Invitae), Labcorp
Classification: Benign for Deficiency of hydroxymethylglutaryl-CoA lyase. Last evaluated: 2026-01-17. Review status: criteria provided, single submitter. Criteria: Invitae Variant Classification Sherloc (09022015). Collection method: clinical testing. Allele origin: germline.

Natera, Inc.
Classification: Benign for Deficiency of long-chain 3-hydroxyacyl-coenzyme A dehydrogenase. Last evaluated: 2019-10-28. Review status: no assertion criteria provided. Collection method: clinical testing. Allele origin: germline. Not counted in ClinVar's aggregate classification.